The following is an entry in ClinVar:

NM_005431.2(XRCC2):c.341G>T (p.Arg114Ile)

Gene: XRCC2 (X-ray repair cross complementing 2; minus strand). Cytogenetic location: 7q36.1.
Variant type: single nucleotide variant.
Coding change: c.341G>T on transcript NM_005431.2 (MANE Select); coding-DNA position 341, G replaced by T.
Protein change: p.Arg114Ile; replaces arginine 114 with isoleucine.
Molecular consequence: missense variant.
Genome position (GRCh38, 1-based): chr7:152,649,144, C>A on the plus strand (G>T on the coding strand, the complement: XRCC2 is on the minus strand). VCF-style: chr7-152649144-C-A. GRCh37 (hg19) VCF-style: chr7-152346229-C-A.
Other names: c.341G>T (NM_005431.1); short protein forms R114I.
Identifiers: ClinVar variation 4745511 (VCV004745511.2).

ClinVar aggregate classification (germline): Uncertain significance. Review status: criteria provided, multiple submitters, no conflicts (2 of 4 stars). 2 submissions from 2 submitters: Uncertain significance (2). Last evaluated 2026-01-24.

Conditions:
Hereditary cancer-predisposing syndrome. Also called: Neoplastic Syndromes, Hereditary; Hereditary neoplastic syndrome; Tumor predisposition; Hereditary Cancer Syndrome. Identifiers: Orphanet 140162, MedGen C0027672, MeSH D009386, MONDO:0015356.

Submissions (2):

Ambry Genetics
Classification: Uncertain significance for Hereditary cancer-predisposing syndrome. Last evaluated: 2026-01-24. Review status: criteria provided, single submitter. Criteria: Ambry Variant Classification Scheme 2023. Collection method: clinical testing. Allele origin: germline.
Comment: The p.R114I variant (also known as c.341G>T), located in coding exon 3 of the XRCC2 gene, results from a G to T substitution at nucleotide position 341. The arginine at codon 114 is replaced by isoleucine, an amino acid with similar properties. This amino acid position is conserved. In addition, this alteration is predicted to be deleterious by in silico analysis. Based on the available evidence, the clinical significance of this variant remains unclear.

Labcorp Genetics (formerly Invitae), Labcorp
Classification: Uncertain significance. Last evaluated: 2026-01-22. Review status: criteria provided, single submitter. Criteria: Invitae Variant Classification Sherloc (09022015). Collection method: clinical testing. Allele origin: germline.
Comment: This sequence change replaces arginine, which is basic and polar, with isoleucine, which is neutral and non-polar, at codon 114 of the XRCC2 protein (p.Arg114Ile). This variant is not present in population databases (gnomAD no frequency). This variant has not been reported in the literature in individuals affected with XRCC2-related conditions. Invitae Evidence Modeling of protein sequence and biophysical properties (such as structural, functional, and spatial information, amino acid conservation, physicochemical variation, residue mobility, and thermodynamic stability) indicates that this missense variant is expected to disrupt XRCC2 protein function with a positive predictive value of 80%. In summary, the available evidence is currently insufficient to determine the role of this variant in disease. Therefore, it has been classified as a Variant of Uncertain Significance.